The following is an entry in ClinVar:

ClinVar aggregate classification (germline): Likely pathogenic. Review status: criteria provided, multiple submitters, no conflicts (2 of 4 stars). 7 submissions from 7 submitters: Likely pathogenic (6). 1 of the submissions does not count toward it. Last evaluated 2025-11-16.

Conditions:
PLA2G6-associated neurodegeneration (PLAN). Also called: phospholipase A2-associated neurodegeneration. Identifiers: Orphanet 329303, MedGen CN204472, MONDO:0017998.
Infantile neuroaxonal dystrophy (NBIA2A). Also called: SEITELBERGER DISEASE; NEURODEGENERATION WITH BRAIN IRON ACCUMULATION 2A; Infantile neuroaxonal dystrophy 1. Identifiers: Orphanet 35069, MedGen C0270724, MONDO:0024457, OMIM 256600.
Neurodegeneration with brain iron accumulation 2B. Also called: NEUROAXONAL DYSTROPHY, ATYPICAL; NEURODEGENERATION WITH BRAIN IRON ACCUMULATION, PLA2G6-RELATED; aNAD; atypical Neuroaxonal Dystrophy (aNAD). Identifiers: Orphanet 35069, MedGen C1857747, MONDO:0012444, OMIM 610217.
PLA2G6-related disorder. Also called: PLA2G6-related condition.
Neurodegeneration with brain iron accumulation (NBIA). Identifiers: Orphanet 385, MedGen C2931845, MONDO:0018307.

Allele frequency attached by ClinVar (database versions not stated): gnomAD exomes below 0.00001; TOPMed below 0.00001; ExAC 0.00001.
gnomAD v4.1: 6 of 1,614,122 alleles (0.00037%); highest among the groups gnomAD compares: East Asian, 0.0045%; no homozygotes.

Submissions (7):

3billion
Classification: Likely pathogenic for PLA2G6-related disorder. Last evaluated: 2025-11-16. Review status: criteria provided, single submitter. Criteria: ACMG Guidelines, 2015. Collection method: clinical testing. Allele origin: germline. Affected: yes.
Comment: The variant is observed at an extremely low frequency in the gnomAD v4.1.0 dataset (total allele frequency: <0.001%). Predicted Consequence/Location: Missense variant In silico tool predictions suggest damaging effect of the variant on gene or gene product [REVEL: 0.63 (>=0.6, sensitivity 0.68 and specificity 0.92); 3Cnet: 0.93 (> 0.75, sensitivity 0.96 and precision 0.92)]. The same nucleotide change resulting in the same amino acid change has been previously reported as pathogenic/likely pathogenic with strong evidence (ClinVar ID: VCV001701439 /PMID: 29454663). Different missense changes at the same codon (p.Pro223Gln, p.Pro223Thr) have been reported to be associated with PLA2G6-related disorder (PMID: 18799783, 39184971). Therefore, this variant is classified as Likely pathogenic according to the recommendation of ACMG/AMP guideline.

Broad Center for Mendelian Genomics, Broad Institute of MIT and Harvard
Classification: Likely pathogenic for PLA2G6-associated neurodegeneration. Last evaluated: 2025-05-06. Review status: criteria provided, single submitter. Criteria: ACMG Guidelines, 2015. Collection method: curation. Allele origin: germline. Inheritance: Autosomal recessive inheritance.
Comment: The p.Pro223Leu variant in PLA2G6 has been reported in 4 individuals with PLA2G6-associated neurodegeneration (PMID: 29454663, 31493945, 37645600, 36790591), and has been identified in 0.004% (2/44886) of East Asian chromosomes by the Genome Aggregation Database (gnomAD; dbSNP ID: rs776753796). Although this variant has been seen in the general population in a heterozygous state, its frequency is low enough to be consistent with a recessive carrier frequency. This variant has also been reported in ClinVar (Variation ID: 1701439) and has been interpreted as likely pathogenic by Neuberg Centre For Genomic Medicine, Women's Health and Genetics/Laboratory Corporation of America, and Labcorp Genetics (formerly Invitae). Of the 4 affected individuals, 3 were compound heterozygotes that carried pathogenic/likely pathogenic variants in trans or with unknown phase, which increases the likelihood that the p.Pro223Leu variant is pathogenic (Variation ID: 159748, 3375451, 6195, PMID: 31493945, 37645600, 36790591). Computational prediction tools and conservation analyses do not provide strong support for or against an impact to the protein. The phenotype of an individual heterozygous for this variant is highly specific for PLA2G6-assocatied neurodegeneration based on brain iron accumulation consistent with disease (PMID: 29454663). In summary, although additional studies are required to fully establish its clinical significance, this variant is likely pathogenic for autosomal recessive PLA2G6-associated neurodegeneration. ACMG/AMP Criteria applied: PM3_strong, PP4, PM2_supporting (Richards 2015).

Genetics and Genomic Medicine Centre, NeuroGen Healthcare, NeuroGen Healthcare
Classification: Likely pathogenic for Infantile neuroaxonal dystrophy. Last evaluated: 2025-03-15. Review status: criteria provided, single submitter. Criteria: ACMG Guidelines, 2015. Collection method: clinical testing. Allele origin: unknown. Affected: yes.

Labcorp Genetics (formerly Invitae), Labcorp
Classification: Likely pathogenic for Infantile neuroaxonal dystrophy. Last evaluated: 2024-01-29. Review status: criteria provided, single submitter. Criteria: Invitae Variant Classification Sherloc (09022015). Collection method: clinical testing. Allele origin: germline.
Comment: This sequence change replaces proline, which is neutral and non-polar, with leucine, which is neutral and non-polar, at codon 223 of the PLA2G6 protein (p.Pro223Leu). This variant is present in population databases (rs776753796, gnomAD 0.006%). This missense change has been observed in individuals with PLA2G6-related conditions (PMID: 29454663, 31493945, 36790591). ClinVar contains an entry for this variant (Variation ID: 1701439). Advanced modeling of protein sequence and biophysical properties (such as structural, functional, and spatial information, amino acid conservation, physicochemical variation, residue mobility, and thermodynamic stability) performed at Invitae indicates that this missense variant is expected to disrupt PLA2G6 protein function with a positive predictive value of 80%. This variant disrupts the p.Pro223 amino acid residue in PLA2G6. Other variant(s) that disrupt this residue have been observed in individuals with PLA2G6-related conditions (PMID: 18799783, 29454663, 31493945), which suggests that this may be a clinically significant amino acid residue. In summary, the currently available evidence indicates that the variant is pathogenic, but additional data are needed to prove that conclusively. Therefore, this variant has been classified as Likely Pathogenic.

Women's Health and Genetics/Laboratory Corporation of America, LabCorp
Classification: Likely pathogenic for Neurodegeneration with brain iron accumulation. Last evaluated: 2023-10-27. Review status: criteria provided, single submitter. Criteria: LabCorp Variant Classification Summary - May 2015. Collection method: clinical testing. Allele origin: germline.
Comment: Variant summary: PLA2G6 c.668C>T (p.Pro223Leu) results in a non-conservative amino acid change in the encoded protein sequence. Four of five in-silico tools predict a damaging effect of the variant on protein function. The variant allele was found at a frequency of 4e-06 in 251208 control chromosomes. c.668C>T has been reported in the literature in at-least three individuals affected with features of Neurodegeneration With Brain Iron Accumulation (examples, Arslan_2020, Chen_2018, Sait_2023). Particularly, the variant was reported at a compound heterozygous state along with a pathogenic nonsense variant of PLA2G6 in an individual with PLA2G6-associated neurodegeneration through Exome sequencing (Sait_2023). These data indicate that the variant may be associated with disease. To our knowledge, no experimental evidence demonstrating an impact on protein function has been reported. The following publications have been ascertained in the context of this evaluation (PMID: 31493945, 29454663, 36790591). Three submitters have cited clinical-significance assessments for this variant to ClinVar after 2014 (VUS, n=2; likely pathogenic, n=1). Based on the evidence outlined above, the variant was classified as likely pathogenic.

CeGaT Center for Human Genetics Tuebingen
Classification: Likely pathogenic. Last evaluated: 2022-07-01. Review status: criteria provided, single submitter. Criteria: CeGaT Center For Human Genetics Tuebingen Variant Classification Criteria Version 2. Collection method: clinical testing. Allele origin: germline. Affected: yes. Observed: 1 variant allele.

Neuberg Centre For Genomic Medicine, NCGM
Classification: Uncertain significance for Neurodegeneration with brain iron accumulation 2B. Review status: flagged submission. Criteria: ACMG Guidelines, 2015. Collection method: clinical testing. Allele origin: germline. Inheritance: Autosomal recessive inheritance. Affected: yes. Not counted in ClinVar's aggregate classification.
Comment: The missense variant c.668C>T (p.Pro223Leu) in PLA2G6 gene has not been reported previously as a pathogenic variant nor as a benign variant, to our knowledge. The p.Pro223Leu variant is novel (not in any individuals) in 1000 Genomes and allele frequency of 0.0003981% is reported in gnomAD. The amino acid Pro at position 223 is changed to a Leu changing protein sequence and it might alter its composition and physico-chemical properties. The variant is predicted to be damaging by both SIFT and PolyPhen2. The residue is conserved across species. The amino acid change p.Pro223Leu in PLA2G6 is predicted as conserved by GERP++ and PhyloP across 100 vertebrates.For these reasons, this variant has been classified as Uncertain Significance
ClinVar note: Reason: Outlier claim with insufficient supporting evidence

Literature cited by the submitters: PubMed 18799783 (cited by 3billion and Labcorp Genetics (formerly Invitae), Labcorp); PubMed 29454663 (cited by 3 submitters); PubMed 31493945 (cited by Labcorp Genetics (formerly Invitae), Labcorp and Women's Health and Genetics/Laboratory Corporation of America, LabCorp); PubMed 36790591 (cited by Labcorp Genetics (formerly Invitae), Labcorp and Women's Health and Genetics/Laboratory Corporation of America, LabCorp).

NM_003560.4(PLA2G6):c.668C>T (p.Pro223Leu)

Gene: PLA2G6 (phospholipase A2 group VI; minus strand). Cytogenetic location: 22q13.1.
Variant type: single nucleotide variant.
Coding change: c.668C>T on transcript NM_003560.4 (MANE Select); coding-DNA position 668, C replaced by T.
Protein change: p.Pro223Leu; replaces proline 223 with leucine.
Molecular consequence: missense variant. On other transcripts: intron variant (1).
Genome position (GRCh38, 1-based): chr22:38,140,111, G>A on the plus strand (C>T on the coding strand, the complement: PLA2G6 is on the minus strand). VCF-style: chr22-38140111-G-A. GRCh37 (hg19) VCF-style: chr22-38536118-G-A.
Other names: NM_001004426.3:c.668C>T; c.119+2994C>T (NM_001349868.2); c.668C>T, p.Pro223Leu (NM_001004426.3, NM_001199562.3, NM_001349864.2 and 2 more transcripts); c.134C>T, p.Pro45Leu (NM_001349867.2, NM_001349869.2); short protein forms P223L, P45L.
Identifiers: ClinVar variation 1701439 (VCV001701439.38), dbSNP rs776753796, ClinGen allele CA10231192.